The following is an entry in ClinVar:

ClinVar aggregate classification (germline): Conflicting classifications of pathogenicity. Review status: criteria provided, conflicting classifications (1 of 4 stars). 6 submissions from 6 submitters: Uncertain significance (4); Likely benign (2). Last evaluated 2025-07-23.

Conditions:
Noonan syndrome 1 (NS1). Also called: FEMALE PSEUDO-TURNER SYNDROME; TURNER PHENOTYPE WITH NORMAL KARYOTYPE; PTPN11-Related Noonan Syndrome. Identifiers: Orphanet 648, MedGen C4551602, MONDO:0008104, OMIM 163950. Disease mechanism: gain of function.
LEOPARD syndrome 1 (LPRD1). Also called: LENTIGINOSIS, CARDIOMYOPATHIC; MULTIPLE LENTIGINES SYNDROME; PTPN11-Related LEOPARD Syndrome. Identifiers: Orphanet 500, MedGen C4551484, MONDO:0100082, OMIM 151100.
Juvenile myelomonocytic leukemia (JMML). Also called: LEUKEMIA, JUVENILE MYELOMONOCYTIC, SOMATIC. Identifiers: Orphanet 86834, MedGen C0349639, MONDO:0011908, OMIM 607785, HP:0012209.
Metachondromatosis (METCDS). Identifiers: Orphanet 2499, MedGen C0410530, MONDO:0007979, OMIM 156250.
Cardiovascular phenotype. Identifiers: MedGen CN230736.
RASopathy. Also called: rasopathies; Noonan spectrum disorder. Identifiers: Orphanet 536391, MedGen C5555857, MONDO:0021060.

Allele frequency attached by ClinVar (database versions not stated): TOPMed 0.00001; gnomAD exomes 0.00003 and 0.00001; ESP Exome Variant Server 0.00008; ExAC 0.00001; gnomAD 0.00001.
gnomAD v4.1: 16 of 1,613,968 alleles (0.00099%); highest among the groups gnomAD compares: Non-Finnish European, 0.0014%; no homozygotes.

Submissions (6):

Labcorp Genetics (formerly Invitae), Labcorp
Classification: Uncertain significance for RASopathy. Last evaluated: 2025-07-23. Review status: criteria provided, single submitter. Criteria: Invitae Variant Classification Sherloc (09022015). Collection method: clinical testing. Allele origin: germline.
Comment: This sequence change replaces serine, which is neutral and polar, with alanine, which is neutral and non-polar, at codon 350 of the PTPN11 protein (p.Ser350Ala). This variant is present in population databases (rs146571700, gnomAD 0.003%). This variant has not been reported in the literature in individuals affected with PTPN11-related conditions. ClinVar contains an entry for this variant (Variation ID: 40540). Invitae Evidence Modeling of protein sequence and biophysical properties (such as structural, functional, and spatial information, amino acid conservation, physicochemical variation, residue mobility, and thermodynamic stability) has been performed for this missense variant. However, the output from this modeling did not meet the statistical confidence thresholds required to predict the impact of this variant on PTPN11 protein function. In summary, the available evidence is currently insufficient to determine the role of this variant in disease. Therefore, it has been classified as a Variant of Uncertain Significance.

Molecular Diagnostic Laboratory for Inherited Cardiovascular Disease, Montreal Heart Institute
Classification: Uncertain significance for Cardiovascular phenotype. Last evaluated: 2025-04-09. Review status: criteria provided, single submitter. Criteria: ACMG Guidelines, 2015. Collection method: clinical testing. Allele origin: germline. Affected: yes.

Blueprint Genetics
Classification: Likely benign. Last evaluated: 2024-10-03. Review status: criteria provided, single submitter. Criteria: ACMG Guidelines, 2015. Collection method: clinical testing. Allele origin: germline.

GeneDx
Classification: Likely benign. Last evaluated: 2020-11-02. Review status: criteria provided, single submitter. Criteria: GeneDx Variant Classification Process June 2021. Collection method: clinical testing. Allele origin: germline. Affected: yes.

Ambry Genetics
Classification: Uncertain significance for Cardiovascular phenotype. Last evaluated: 2020-01-23. Review status: criteria provided, single submitter. Criteria: Ambry Variant Classification Scheme 2023. Collection method: clinical testing. Allele origin: germline.

Fulgent Genetics
Classification: Uncertain significance for LEOPARD syndrome 1; Metachondromatosis; Noonan syndrome 1; Juvenile myelomonocytic leukemia. Last evaluated: 2018-10-31. Review status: criteria provided, single submitter. Criteria: ACMG Guidelines, 2015. Collection method: clinical testing. Allele origin: unknown.

NM_002834.5(PTPN11):c.1048T>G (p.Ser350Ala)

Gene: PTPN11 (protein tyrosine phosphatase non-receptor type 11; plus strand). Cytogenetic location: 12q24.13.
Variant type: single nucleotide variant.
Coding change: c.1048T>G on transcript NM_002834.5 (MANE Select); coding-DNA position 1048, T replaced by G.
Protein change: p.Ser350Ala; replaces serine 350 with alanine.
Molecular consequence: missense variant.
Genome position (GRCh38, 1-based): chr12:112,477,971, T>G. VCF-style: chr12-112477971-T-G. GRCh37 (hg19) VCF-style: chr12-112915775-T-G.
Other names: c.1048T>G, p.Ser350Ala (NM_001330437.2, NM_080601.3); c.1045T>G, p.Ser349Ala (NM_001374625.1); c.1048T>G (NM_002834.4); short protein forms S350A, S349A.
Identifiers: ClinVar variation 40540 (VCV000040540.11), dbSNP rs146571700, ClinGen allele CA282111.